The following is an entry in ClinVar:

ClinVar aggregate classification (germline): Uncertain significance. Review status: criteria provided, multiple submitters, no conflicts (2 of 4 stars). 3 submissions from 3 submitters: Uncertain significance (3). Last evaluated 2025-08-06.

Conditions:
Inborn genetic diseases. Identifiers: MedGen C0950123, MeSH D030342.

Allele frequency attached by ClinVar (database versions not stated): ExAC 0.00001; gnomAD exomes 0.00001; TOPMed 0.00001; gnomAD 0.00002.
gnomAD v4.1: 14 of 1,606,502 alleles (0.00087%); highest among the groups gnomAD compares: African/African-American, 0.0027%; no homozygotes.

Submissions (3):

Athena Diagnostics
Classification: Uncertain significance. Last evaluated: 2025-08-06. Review status: criteria provided, single submitter. Criteria: Athena Diagnostics Criteria. Collection method: clinical testing. Allele origin: unknown.
Comment: Available data are insufficient to determine the clinical significance of the variant at this time. The frequency of this variant in the general population is uninformative in assessment of its pathogenicity. This variant has been seen where an alternate explanation for disease was also identified, suggesting this variant may not cause disease. Polyphen and MutationTaster yielded discordant predictions regarding whether this amino acid change is damaging to the protein.

Ambry Genetics
Classification: Uncertain significance for Inborn genetic diseases. Last evaluated: 2023-09-20. Review status: criteria provided, single submitter. Criteria: Ambry Variant Classification Scheme 2023. Collection method: clinical testing. Allele origin: germline.

Labcorp Genetics (formerly Invitae), Labcorp
Classification: Uncertain significance. Last evaluated: 2023-02-08. Review status: criteria provided, single submitter. Criteria: Invitae Variant Classification Sherloc (09022015). Collection method: clinical testing. Allele origin: germline.
Comment: In summary, the available evidence is currently insufficient to determine the role of this variant in disease. Therefore, it has been classified as a Variant of Uncertain Significance. Advanced modeling of protein sequence and biophysical properties (such as structural, functional, and spatial information, amino acid conservation, physicochemical variation, residue mobility, and thermodynamic stability) performed at Invitae indicates that this missense variant is expected to disrupt KCNC3 protein function. This variant has not been reported in the literature in individuals affected with KCNC3-related conditions. This variant is present in population databases (rs778103042, gnomAD 0.002%). This sequence change replaces histidine, which is basic and polar, with arginine, which is basic and polar, at codon 562 of the KCNC3 protein (p.His562Arg).

NM_004977.3(KCNC3):c.1685A>G (p.His562Arg)

Gene: KCNC3 (potassium voltage-gated channel subfamily C member 3; minus strand). Cytogenetic location: 19q13.33.
Variant type: single nucleotide variant.
Coding change: c.1685A>G on transcript NM_004977.3 (MANE Select); coding-DNA position 1685, A replaced by G.
Protein change: p.His562Arg; replaces histidine 562 with arginine.
Molecular consequence: missense variant.
Genome position (GRCh38, 1-based): chr19:50,323,268, T>C on the plus strand (A>G on the coding strand, the complement: KCNC3 is on the minus strand). VCF-style: chr19-50323268-T-C. GRCh37 (hg19) VCF-style: chr19-50826525-T-C.
Other names: c.1457A>G, p.His486Arg (NM_001372305.1); short protein forms H486R, H562R.
Identifiers: ClinVar variation 2684250 (VCV002684250.6), dbSNP rs778103042, ClinGen allele CA9594197.
Genomic context (GRCh38, chr19:50,323,268, plus strand): 5'-GGCGGGGGTGGGTCAGGCTTGCAGTAGTTGGGCGAGCCCGGTTGCGGGGGCCGGGGGATG[T>C]GTTTGTTCTTCTTCTTGGGCAGCTTCTGCTTGGCCATGGCCAGCGAATAGTACATGCCAA-3'
Protein context (NP_004968.2, residues 552-572): KQKLPKKKNK[His562Arg]IPRPPQPGSP